The following is an entry in ClinVar:

NM_178857.6(RP1L1):c.168C>T (p.Arg56=)

Gene: RP1L1 (RP1 like 1). Cytogenetic location: 8p23.1.
Variant type: single nucleotide variant.
Coding change: c.168C>T on transcript NM_178857.6 (MANE Select); coding-DNA position 168, C replaced by T.
Protein change: p.Arg56=; no amino-acid change (arginine 56 retained).
Molecular consequence: synonymous variant.
Genome position (GRCh38, 1-based): chr8:10,623,034, G>A on the plus strand (C>T on the coding strand, the complement: RP1L1 is on the minus strand). VCF-style: chr8-10623034-G-A. GRCh37 (hg19) VCF-style: chr8-10480544-G-A.
Other names: c.168C>T (NM_178857.5).
Identifiers: ClinVar variation 1148529 (VCV001148529.14), dbSNP rs187433303, ClinGen allele CA4625845.

ClinVar aggregate classification (germline): Likely benign. Review status: criteria provided, multiple submitters, no conflicts (2 of 4 stars). 5 submissions from 5 submitters: Likely benign (3). 2 of the submissions do not count toward it. Last evaluated 2025-12-08.

Conditions:
RP1L1-related disorder. Also called: RP1L1-related condition.

gnomAD v4.1: 318 of 1,614,042 alleles (0.02%); highest among the groups gnomAD compares: South Asian, 0.1%; no homozygotes.

Submissions (5):

PreventionGenetics, part of Exact Sciences
Classification: Likely benign for RP1L1-related condition. Last evaluated: 2025-12-08. Review status: criteria provided, single submitter. Criteria: ACMG Guidelines, 2015. Collection method: clinical testing. Allele origin: germline.
Comment: This variant is classified as likely benign based on ACMG/AMP sequence variant interpretation guidelines (Richards et al. 2015 PMID: 25741868, with internal and published modifications).

Labcorp Genetics (formerly Invitae), Labcorp
Classification: Likely benign. Last evaluated: 2025-10-21. Review status: criteria provided, single submitter. Criteria: Invitae Variant Classification Sherloc (09022015). Collection method: clinical testing. Allele origin: germline.

Blueprint Genetics
Classification: Likely benign. Last evaluated: 2024-11-14. Review status: criteria provided, single submitter. Criteria: ACMG Guidelines, 2015. Collection method: clinical testing. Allele origin: germline.

Clinical Genetics DNA and cytogenetics Diagnostics Lab, Erasmus MC, Erasmus Medical Center
Classification: Likely benign. Review status: no assertion criteria provided. Collection method: clinical testing. Allele origin: germline. Affected: yes. Study: VKGL Data-share Consensus. Not counted in ClinVar's aggregate classification.

Clinical Genetics, Academic Medical Center
Classification: Likely benign. Review status: no assertion criteria provided. Collection method: clinical testing. Allele origin: germline. Affected: yes. Study: VKGL Data-share Consensus. Not counted in ClinVar's aggregate classification.